The following is an entry in ClinVar:

ClinVar aggregate classification (germline): Likely pathogenic (1 of 4 stars; one submission).

Conditions:
Mucopolysaccharidosis, MPS-IV-A (MPS4A). Also called: Morquio syndrome A, mild; MORQUIO SYNDROME A; GALACTOSAMINE-6-SULFATASE DEFICIENCY; GALNS DEFICIENCY; MORQUIO A DISEASE; Mucopolysaccharidosis type IV A. Identifiers: Orphanet 309297, Orphanet 582, MedGen C0086651, MONDO:0009659, OMIM 253000.

gnomAD v4.1: 1 of 147,318 alleles (0.00068%); highest among the groups gnomAD compares: African/African-American, 0.0025%; no homozygotes.

Submission:

Laboratory of Inherited Metabolic Diseases, Research centre for medical genetics
Classification: Likely pathogenic for Mucopolysaccharidosis, MPS-IV-A. Last evaluated: 2025-01-26. Review status: criteria provided, single submitter. Criteria: ACMG Guidelines, 2015. Collection method: research. Allele origin: unknown. Affected: no.
Comment: Minigene assay demonstrated insertion of a 157 bp pseudoexon.

NM_000512.5(GALNS):c.1003-1397A>G

Gene: GALNS (galactosamine (N-acetyl)-6-sulfatase; minus strand). Cytogenetic location: 16q24.3.
Variant type: single nucleotide variant.
Coding change: c.1003-1397A>G on transcript NM_000512.5 (MANE Select); 1397 bases into the intron before coding-DNA position 1003, A replaced by G.
Molecular consequence: intron variant.
Genome position (GRCh38, 1-based): chr16:88,828,235, T>C on the plus strand (A>G on the coding strand, the complement: GALNS is on the minus strand). VCF-style: chr16-88828235-T-C. GRCh37 (hg19) VCF-style: chr16-88894643-T-C.
Other names: c.448-1397A>G (NM_001323543.2); c.1021-1397A>G (NM_001323544.2).
Identifiers: ClinVar variation 3600992 (VCV003600992.1).
Genomic context (GRCh38, chr16:88,828,235, plus strand): 5'-CCTTCCCGTGTCCTTTAAAGGACAGAATAATAAAGGAAAGAAATCCAGATGCTTTTGTCA[T>C]CTGAAAAAATAACTGCGGAGCAGTGCTTGTGGTGCCGGCAGGGCGGGCGGGCGGGAGTGG-3'